The following is an entry in ClinVar:

ClinVar aggregate classification (germline): Conflicting classifications of pathogenicity. Review status: criteria provided, conflicting classifications (1 of 4 stars). 2 submissions from 2 submitters: Pathogenic (1); Uncertain significance (1). Last evaluated 2023-04-06.

Conditions:
Hereditary spastic paraplegia 4. Also called: Spastic paraplegia 4, autosomal dominant; Spastic Paraplegia 4; Familial spastic paraplegia autosomal dominant 2. Identifiers: Orphanet 100985, MedGen C1866855, MONDO:0008438, OMIM 182601.

Submissions (2):

Labcorp Genetics (formerly Invitae), Labcorp
Classification: Uncertain significance for Hereditary spastic paraplegia 4. Last evaluated: 2023-04-06. Review status: criteria provided, single submitter. Criteria: Invitae Variant Classification Sherloc (09022015). Collection method: clinical testing. Allele origin: germline.
Comment: In summary, the available evidence is currently insufficient to determine the role of this variant in disease. Therefore, it has been classified as a Variant of Uncertain Significance. Advanced modeling of protein sequence and biophysical properties (such as structural, functional, and spatial information, amino acid conservation, physicochemical variation, residue mobility, and thermodynamic stability) performed at Invitae indicates that this missense variant is not expected to disrupt SPAST protein function. ClinVar contains an entry for this variant (Variation ID: 988983). This missense change has been observed in individual(s) with hereditary spastic paraplegia (PMID: 30476002). This variant is not present in population databases (gnomAD no frequency). This sequence change replaces arginine, which is basic and polar, with proline, which is neutral and non-polar, at codon 581 of the SPAST protein (p.Arg581Pro).

Paris Brain Institute, Inserm - ICM
Classification: Pathogenic for Hereditary spastic paraplegia 4. Review status: criteria provided, single submitter. Criteria: ACMG Guidelines, 2015. Collection method: clinical testing. Allele origin: unknown. Affected: yes. Observed: 1 variant allele.

Literature cited by the submitters: PubMed 30476002 (cited by Labcorp Genetics (formerly Invitae), Labcorp).

NM_014946.4(SPAST):c.1742G>C (p.Arg581Pro)

Gene: SPAST (spastin; plus strand). Cytogenetic location: 2p22.3.
Variant type: single nucleotide variant.
Coding change: c.1742G>C on transcript NM_014946.4 (MANE Select); coding-DNA position 1742, G replaced by C.
Protein change: p.Arg581Pro; replaces arginine 581 with proline.
Molecular consequence: missense variant. On other transcripts: 3 prime UTR variant (1).
Genome position (GRCh38, 1-based): chr2:32,154,387, G>C. VCF-style: chr2-32154387-G-C. GRCh37 (hg19) VCF-style: chr2-32379456-G-C.
Other names: c.1739G>C, p.Arg580Pro (NM_001363823.2); c.1643G>C, p.Arg548Pro (NM_001363875.2); c.*15G>C (NM_001377959.1); c.1646G>C, p.Arg549Pro (NM_199436.2); short protein forms R548P, R549P, R580P, R581P.
Identifiers: ClinVar variation 988983 (VCV000988983.4), dbSNP rs749484350, ClinGen allele CA346505541.
Genomic context (GRCh38, chr2:32,154,387, plus strand): 5'-TATACCTGTTGATCATTTGTATTGTCATGTGCTTTTTAAAAATCTAGATGAGAAATATTC[G>C]ATTATCTGACTTCACTGAATCCTTGAAAAAAATAAAACGCAGCGTCAGCCCTCAAACTTT-3'
Protein context (NP_055761.2, residues 571-591): NMSASEMRNI[Arg581Pro]LSDFTESLKK